The following is an entry in ClinVar:

NM_020247.5(COQ8A):c.656-1169A>G

Gene: COQ8A (coenzyme Q8A; plus strand). Cytogenetic location: 1q42.13.
Variant type: single nucleotide variant.
Coding change: c.656-1169A>G on transcript NM_020247.5 (MANE Select); 1169 bases into the intron before coding-DNA position 656, A replaced by G.
Molecular consequence: intron variant.
Genome position (GRCh38, 1-based): chr1:226,976,280, A>G. VCF-style: chr1-226976280-A-G. GRCh37 (hg19) VCF-style: chr1-227163981-A-G.
Identifiers: ClinVar variation 2639976 (VCV002639976.24), dbSNP rs368842000, ClinGen allele CA38638609.

ClinVar aggregate classification (germline): Likely benign (1 of 4 stars; one submission).

Submission:

CeGaT Center for Human Genetics Tuebingen
Classification: Likely benign. Last evaluated: 2022-11-01. Review status: criteria provided, single submitter. Criteria: CeGaT Center For Human Genetics Tuebingen Variant Classification Criteria Version 2. Collection method: clinical testing. Allele origin: germline. Affected: yes. Observed: 1 variant allele.
Comment: COQ8A: BS1